The following is an entry in ClinVar:

NM_000368.5(TSC1):c.559C>T (p.Leu187Phe)

Gene: TSC1 (TSC complex subunit 1; minus strand). Cytogenetic location: 9q34.13.
Variant type: single nucleotide variant.
Coding change: c.559C>T on transcript NM_000368.5 (MANE Select); coding-DNA position 559, C replaced by T.
Protein change: p.Leu187Phe; replaces leucine 187 with phenylalanine.
Molecular consequence: missense variant.
Genome position (GRCh38, 1-based): chr9:132,921,923, G>A on the plus strand (C>T on the coding strand, the complement: TSC1 is on the minus strand). VCF-style: chr9-132921923-G-A. GRCh37 (hg19) VCF-style: chr9-135797310-G-A.
Other names: c.559C>T (NM_000368.4); c.559C>T, p.Leu187Phe (NM_001162426.2); c.406C>T, p.Leu136Phe (NM_001162427.2); c.196C>T, p.Leu66Phe (NM_001362177.2); short protein forms L66F, L187F, L136F.
Identifiers: ClinVar variation 1390202 (VCV001390202.5), dbSNP rs2132158182, ClinGen allele CA375372726.

ClinVar aggregate classification (germline): Uncertain significance. Review status: criteria provided, multiple submitters, no conflicts (2 of 4 stars). 2 submissions from 2 submitters: Uncertain significance (2). Last evaluated 2026-08-12.

Conditions:
Hereditary cancer-predisposing syndrome. Also called: Hereditary Cancer Syndrome; Neoplastic Syndromes, Hereditary; Hereditary neoplastic syndrome; Tumor predisposition. Identifiers: Orphanet 140162, MedGen C0027672, MeSH D009386, MONDO:0015356.
Tuberous sclerosis 1 (TSC1). Identifiers: Orphanet 805, MedGen C1854465, MONDO:0008612, OMIM 191100.

Allele frequency attached by ClinVar (database versions not stated): gnomAD exomes below 0.00001.
gnomAD v4.1: 2 of 1,614,208 alleles (0.00012%); highest among the groups gnomAD compares: Non-Finnish European, 0.000085%; no homozygotes.

Submissions (2):

Ambry Genetics
Classification: Uncertain significance for Hereditary cancer-predisposing syndrome. Last evaluated: 2026-08-12. Review status: criteria provided, single submitter. Criteria: Ambry Variant Classification Scheme 2023. Collection method: clinical testing. Allele origin: germline.
Comment: The p.L187F variant (also known as c.559C>T), located in coding exon 5 of the TSC1 gene, results from a C to T substitution at nucleotide position 559. The leucine at codon 187 is replaced by phenylalanine, an amino acid with highly similar properties. This amino acid position is conserved. In addition, this alteration is predicted to be deleterious by in silico analysis. Based on the available evidence, the clinical significance of this variant remains unclear.

Labcorp Genetics (formerly Invitae), Labcorp
Classification: Uncertain significance for Tuberous sclerosis 1. Last evaluated: 2021-12-15. Review status: criteria provided, single submitter. Criteria: Invitae Variant Classification Sherloc (09022015). Collection method: clinical testing. Allele origin: germline.
Comment: This sequence change replaces leucine, which is neutral and non-polar, with phenylalanine, which is neutral and non-polar, at codon 187 of the TSC1 protein (p.Leu187Phe). This variant is not present in population databases (gnomAD no frequency). This variant has not been reported in the literature in individuals affected with TSC1-related conditions. Algorithms developed to predict the effect of missense changes on protein structure and function are either unavailable or do not agree on the potential impact of this missense change (SIFT: "Deleterious"; PolyPhen-2: "Benign"; Align-GVGD: "Class C0"). In summary, the available evidence is currently insufficient to determine the role of this variant in disease. Therefore, it has been classified as a Variant of Uncertain Significance.